The following is an entry in ClinVar:

NM_000057.4(BLM):c.3011_3012del (p.Leu1004fs)

Gene: BLM (BLM RecQ like helicase; plus strand). Cytogenetic location: 15q26.1.
Variant type: Deletion.
Coding change: c.3011_3012del on transcript NM_000057.4 (MANE Select); coding-DNA positions 3011 to 3012, 2 bases deleted (TT; older notation c.3011_3012delTT).
Protein change: p.Leu1004fs; shifts the reading frame from leucine 1004.
Molecular consequence: frameshift variant.
Genome position (GRCh38, 1-based): chr15:90,790,836-90,790,837, TT deleted. VCF-style (leftmost placement, unchanged base first): chr15-90790835-CTT-C. GRCh37 (hg19) VCF-style: chr15-91334065-CTT-C.
Other names: c.3011_3012del, p.Leu1004fs (NM_001287246.2, NM_001287247.2); c.1886_1887del, p.Leu629fs (NM_001287248.2); short protein forms L1004fs, L629fs.
Identifiers: ClinVar variation 1076386 (VCV001076386.9), dbSNP rs2151184759, ClinGen allele CA2499223166.

ClinVar aggregate classification (germline): Pathogenic (1 of 4 stars; one submission).

Conditions:
Bloom syndrome (BLM). Also called: Bloom-Torre-Machacek syndrome. Identifiers: Orphanet 125, MedGen C0005859, MONDO:0008876, OMIM 210900.

Submission:

Labcorp Genetics (formerly Invitae), Labcorp
Classification: Pathogenic for Bloom syndrome. Last evaluated: 2020-02-21. Review status: criteria provided, single submitter. Criteria: Invitae Variant Classification Sherloc (09022015). Collection method: clinical testing. Allele origin: germline.
Comment: For these reasons, this variant has been classified as Pathogenic. Loss-of-function variants in BLM are known to be pathogenic (PMID: 17407155). This variant has been observed in individual(s) with colorectal cancer (PMID: 28944238). This variant is not present in population databases (ExAC no frequency). This sequence change creates a premature translational stop signal (p.Leu1004Hisfs*18) in the BLM gene. It is expected to result in an absent or disrupted protein product.

Literature cited by the submitters: PubMed 17407155; PubMed 28944238.